The following is an entry in ClinVar:

ClinVar aggregate classification (germline): Uncertain significance (1 of 4 stars; one submission).

Submission:

Labcorp Genetics (formerly Invitae), Labcorp
Classification: Uncertain significance. Last evaluated: 2023-01-09. Review status: criteria provided, single submitter. Criteria: Invitae Variant Classification Sherloc (09022015). Collection method: clinical testing. Allele origin: germline.
Comment: This sequence change replaces alanine, which is neutral and non-polar, with glycine, which is neutral and non-polar, at codon 1423 of the COL2A1 protein (p.Ala1423Gly). This variant is not present in population databases (gnomAD no frequency). In summary, the available evidence is currently insufficient to determine the role of this variant in disease. Therefore, it has been classified as a Variant of Uncertain Significance. Advanced modeling of protein sequence and biophysical properties (such as structural, functional, and spatial information, amino acid conservation, physicochemical variation, residue mobility, and thermodynamic stability) has been performed at Invitae for this missense variant, however the output from this modeling did not meet the statistical confidence thresholds required to predict the impact of this variant on COL2A1 protein function. This variant has not been reported in the literature in individuals affected with COL2A1-related conditions.

NM_001844.5(COL2A1):c.4268C>G (p.Ala1423Gly)

Gene: COL2A1 (collagen type II alpha 1 chain; minus strand). Cytogenetic location: 12q13.11.
Variant type: single nucleotide variant.
Coding change: c.4268C>G on transcript NM_001844.5 (MANE Select); coding-DNA position 4268, C replaced by G.
Protein change: p.Ala1423Gly; replaces alanine 1423 with glycine.
Molecular consequence: missense variant.
Genome position (GRCh38, 1-based): chr12:47,974,138, G>C on the plus strand (C>G on the coding strand, the complement: COL2A1 is on the minus strand). VCF-style: chr12-47974138-G-C. GRCh37 (hg19) VCF-style: chr12-48367921-G-C.
Other names: c.4061C>G, p.Ala1354Gly (NM_033150.3); short protein forms A1423G, A1354G.
Identifiers: ClinVar variation 2827336 (VCV002827336.3), dbSNP rs2540094433, ClinGen allele CA384533496.